The following is an entry in ClinVar:

NM_000530.8(MPZ):c.703AAG[1] (p.Lys236del)

Gene: MPZ (myelin protein zero; minus strand). Cytogenetic location: 1q23.3.
Variant type: Microsatellite.
Coding change: c.703AAG[1] on transcript NM_000530.8 (MANE Select); one copy of the 3-base unit AAG starting at c.703; the reference has two copies in a row; one copy, 3 bases deleted; also written c.706_708del.
Protein change: p.Lys236del; deletes lysine 236.
Molecular consequence: inframe deletion.
Genome position (GRCh38, 1-based): chr1:161,305,915-161,305,917, CTT deleted on the plus strand (AAG on the coding strand, the reverse complement: MPZ is on the minus strand); deleting any 3 consecutive bases within chr1:161,305,915-161,305,922 gives the same sequence; the position shown is the placement nearest the transcript's 3' end. VCF-style (leftmost placement, unchanged base first): chr1-161305914-CCTT-C. GRCh37 (hg19) VCF-style: chr1-161275704-CCTT-C.
Other names: c.706_708del (NM_000530.8); c.706_708delAAG (NM_000530.7, NM_000530.8); c.703AAG[1], p.Lys236del (NM_001315491.2); short protein forms K236del.
Identifiers: ClinVar variation 447734 (VCV000447734.29), dbSNP rs755446743, ClinGen allele CA1210064.

ClinVar aggregate classification (germline): Conflicting classifications of pathogenicity. Review status: criteria provided, conflicting classifications (1 of 4 stars). 13 submissions from 13 submitters: Pathogenic (3); Likely pathogenic (8); Uncertain significance (1). 1 of the submissions does not count toward it. Last evaluated 2026-10-21.

Conditions:
Inborn genetic diseases. Identifiers: MedGen C0950123, MeSH D030342.
Charcot-Marie-Tooth disease. Also called: Charcot-Marie-Tooth Hereditary Neuropathy; Charcot-Marie-Tooth Neuropathy. Identifiers: Orphanet 166, MedGen C0007959, MONDO:0015626.
Dejerine-Sottas disease. Also called: DEJERINE-SOTTAS NEUROPATHY; HMSN Type III; Hereditary motor and sensory neuropathy 3; HEREDITARY MOTOR AND SENSORY NEUROPATHY TYPE III; Charcot-Marie-Tooth disease type 3. Identifiers: Orphanet 64748, MedGen C0011195, MONDO:0007790, OMIM 145900.
Congenital hypomyelinating neuropathy (CHN). Also called: Neuropathy, congenital hypomelinating. Identifiers: MedGen C0393818, MONDO:0033352.
Charcot-Marie-Tooth disease type 2J (CMT2J). Also called: CHARCOT-MARIE-TOOTH DISEASE, AXONAL, TYPE 2J; CHARCOT-MARIE-TOOTH DISEASE, TYPE 2, WITH HEARING LOSS AND PUPILLARY ABNORMALITIES; CHARCOT-MARIE-TOOTH NEUROPATHY, TYPE 2J. Identifiers: Orphanet 99943, MedGen C1843153, MONDO:0011903, OMIM 607736.
Charcot-Marie-Tooth disease type 1B. Also called: PERONEAL MUSCULAR ATROPHY; Charcot-Marie-Tooth disease, demyelinating, type 1b; Hereditary motor and sensory neuropathy 1B; Charcot-Marie-Tooth disease, type IB; CHARCOT-MARIE-TOOTH DISEASE, AUTOSOMAL DOMINANT, WITH FOCALLY FOLDED MYELIN SHEATHS, TYPE 1B; CHARCOT-MARIE-TOOTH DISEASE, SLOW NERVE CONDUCTION TYPE, LINKED TO DUFFY. Identifiers: Orphanet 101082, MedGen C0270912, MONDO:0007307, OMIM 118200.
MPZ-related disorder. Also called: MPZ-related condition; MPZ-related disorders.
Charcot-Marie-Tooth disease type 2I (CMT2I). Also called: CHARCOT-MARIE-TOOTH DISEASE, AXONAL, TYPE 2I. Identifiers: Orphanet 99942, MedGen C3888087, MONDO:0011889, OMIM 607677.
Charcot-Marie-Tooth disease, type I (CMT1). Also called: Charcot-Marie-Tooth, Type 1; Charcot-Marie-Tooth disease type 1. Identifiers: Orphanet 65753, MedGen C0751036, MONDO:0019011.

Submissions 1 to 7 of 13:

GeneDx
Classification: Likely pathogenic. Last evaluated: 2026-10-21. Review status: criteria provided, single submitter. Criteria: GeneDx Variant Classification Process June 2021. Collection method: clinical testing. Allele origin: germline.
Comment: Reported previously with an autosomal dominant, adult-onset Charcot-Marie-Tooth phenotype (PMID: 15716547, 12207932); Published functional studies demonstrate a damaging effect on MPZ protein properties in vitro and luciferase assay showed this variant results in endoplasmic reticulum retention (PMID: 31173589, 29687021); In-frame deletion of 1 amino acid in a non-repeat region; In silico analysis supports a deleterious effect on protein structure/function; This variant is associated with the following publications: (PMID: 15716547, 26310628, 20800346, 28364294, 21336783, 29687021, 33179255, 20461396, 12207932, 36203352, 31173589, 33359733, 32376792, 39140136)

PreventionGenetics, part of Exact Sciences
Classification: Likely pathogenic for MPZ-related condition. Last evaluated: 2026-05-13. Review status: criteria provided, single submitter. Criteria: ACMG Guidelines, 2015. Collection method: clinical testing. Allele origin: germline.
Comment: The MPZ c.706_708delAAG variant is predicted to result in an in-frame deletion (p.Lys236del). This variant has been reported in individuals with autosomal dominant Charcot-Marie-Tooth disease (Street et al. 2002. PubMed ID: 12207932; Table S2, Volodarsky et al. 2020. PubMed ID: 32376792; Taniguchi et al. 2020. PubMed ID: 33179255) and has been shown to segregate with disease in family members with variable penetrance (Street et al. 2002. PubMed ID: 12207932; Sowden et al. 2005. PubMed ID: 15716547). In vitro functional studies suggest expression of this variant impacts MPZ protein folding, lipid binding properties, and dynamics (Bai et al. 2018. PubMed ID: 29687021; Raasakka et al. 2019. PubMed ID: 31173589). This variant is reported in 0.0055% of alleles in individuals of European (non-Finnish) descent in gnomAD, and the majority of ClinVar submissions classify this variant as likely pathogenic (ID: 447734). This variant is interpreted as likely pathogenic.

Labcorp Genetics (formerly Invitae), Labcorp
Classification: Pathogenic for Charcot-Marie-Tooth disease, type I. Last evaluated: 2025-10-07. Review status: criteria provided, single submitter. Criteria: Invitae Variant Classification Sherloc (09022015). Collection method: clinical testing. Allele origin: germline.
Comment: This variant, c.706_708del, results in the deletion of 1 amino acid(s) of the MPZ protein (p.Lys236del), but otherwise preserves the integrity of the reading frame. This variant is present in population databases (rs755446743, gnomAD 0.006%). This variant has been observed in individuals with late-onset Charcot-Marie-Tooth disease (PMID: 12207932, 15716547). It has also been observed to segregate with disease in related individuals. Invitae Evidence Modeling of clinical and family history, age, sex, and reported ancestry of multiple individuals with this MPZ variant has been performed. This variant is expected to be pathogenic with a positive predictive value of at least 99%. This is a validated machine learning model that incorporates the clinical features of 13,236 individuals referred to our laboratory for MPZ testing. This variant is also known as K263Del. Algorithms developed to predict the effect of variants on gene product structure and function are not available or were not evaluated for this variant. Experimental studies have shown that this variant affects MPZ function (PMID: 29687021, 31173589). For these reasons, this variant has been classified as Pathogenic.

Women's Health and Genetics/Laboratory Corporation of America, LabCorp
Classification: Pathogenic for Charcot-Marie-Tooth disease type 1B. Last evaluated: 2025-09-24. Review status: criteria provided, single submitter. Criteria: LabCorp Variant Classification Summary - May 2015. Collection method: clinical testing. Allele origin: germline.
Comment: Variant summary: MPZ c.706_708delAAG (p.Lys236del) results in an in-frame deletion that is predicted to remove one amino acid from the encoded protein. The variant allele was found at a frequency of 3.6e-05 in 249906 control chromosomes. c.706_708delAAG has been observed in multiple individuals affected with Charcot-Marie-Tooth disease type 1B and this variant co-segregated with the disease (Street_2002, Sowden_2005, Sanmaneechai_2015). These data indicate that the variant is very likely to be associated with disease. At least one publication reports experimental evidence evaluating an impact on protein function and this variant affected the MPZ protein function (Bai_2018, Raasakka_2019). The following publications have been ascertained in the context of this evaluation (PMID: 29687021, 31173589, 26310628, 15716547, 12207932). ClinVar contains an entry for this variant (Variation ID: 447734). Based on the evidence outlined above, the variant was classified as pathogenic.

Mayo Clinic Laboratories, Mayo Clinic
Classification: Likely pathogenic. Last evaluated: 2025-02-07. Review status: criteria provided, single submitter. Criteria: ACMG Guidelines, 2015. Collection method: clinical testing. Allele origin: germline. Observed: 2 variant alleles.
Comment: PP1_moderate, PM1, PM2_supporting, PS3_supporting, PS4_supporting

Pittsburgh Clinical Genomics Laboratory, University of Pittsburgh Medical Center
Classification: Pathogenic for Dejerine-Sottas disease. Last evaluated: 2024-04-10. Review status: criteria provided, single submitter. Criteria: ACMG Guidelines, 2015. Collection method: clinical testing. Allele origin: germline. Inheritance: Autosomal unknown. Affected: yes.
Comment: This sequence variant is a three nucleotide deletion (delAAG) at positions 706_708 of the coding MPZ gene and results in the deletion of the Lys236 codon. The 236 residue falls in the cytoplasmic tail which contributes to the physical properties of the myelin lipid membrane (PMID: 31173589). This is a previously reported variant (ClinVar 447734) that has been observed in individuals affected by Charcot–Marie–Tooth disease (PMID: 32376792, 33179255, 26310628, 36203352) and has been found to segregate with this disorder in two families (PMID: 12207932, 12207932). This variant is present in 35 of 1,613,628 alleles (0.002%) in the gnomAD v4.0.0 population dataset. Predictions from bioinformatic tools are inconclusive for this variant, and the Lys236 residue at this position is conserved across the vertebrate species examined. In vitro analysis indicates that this variant significantly disrupts the lipid membrane structure of myelin (PMID: 31173589). Based upon the evidence, we consider this a pathogenic variant. ACMG Criteria: PM2, PM4, PS3, PS4

Ambry Genetics
Classification: Uncertain significance for Inborn genetic diseases. Last evaluated: 2023-01-13. Review status: criteria provided, single submitter. Criteria: Ambry Variant Classification Scheme 2023. Collection method: clinical testing. Allele origin: germline.
Comment: The c.706_708delAAG (p.K236del) alteration is located in exon 6 (coding exon 6) of the MPZ gene. This alteration consists of an in-frame deletion of 3 nucleotides between nucleotide positions c.706 and c.708, resulting in the deletion of the lysine residue at codon 236. This alteration has been previously reported in multiple families with features of autosomal dominant, adult onset Charcot-Marie-Tooth disease; however, the phenotype reported in one family shows variable penetrance with symptoms ranging from being asymptomatic to having foot deformities, pedal numbness, and muscle cramps (Street, 2002; Sowden, 2005; Volodarsky, 2021). This amino acid position is highly conserved in available vertebrate species. Overall, functional studies suggest that the protein is mislocalized to the cytoplasm, alters protein-lipid interactions, and activates the unfolded protein response in vitro; however, additional evidence is needed to confirm these results (Bai, 2018; Raasakka, 2019). This alteration is predicted to be neutral by in silico analysis (Choi, 2012). Based on insufficient or conflicting evidence, the clinical significance of this alteration remains unclear.